The following is an entry in ClinVar:

ClinVar aggregate classification (germline): Uncertain significance (1 of 4 stars; one submission).

Submission:

Labcorp Genetics (formerly Invitae), Labcorp
Classification: Uncertain significance. Last evaluated: 2022-07-05. Review status: criteria provided, single submitter. Criteria: Invitae Variant Classification Sherloc (09022015). Collection method: clinical testing. Allele origin: germline.
Comment: In summary, the available evidence is currently insufficient to determine the role of this variant in disease. Therefore, it has been classified as a Variant of Uncertain Significance. ClinVar contains an entry for this variant (Variation ID: 1354792). This variant has not been reported in the literature in individuals affected with ARL3-related conditions. This variant is not present in population databases (gnomAD no frequency). This sequence change creates a premature translational stop signal (p.Gln71*) in the ARL3 gene. It is expected to result in an absent or disrupted protein product. However, the current clinical and genetic evidence is not sufficient to establish whether loss-of-function variants in ARL3 cause disease.

NM_004311.4(ARL3):c.211C>T (p.Gln71Ter)

Gene: ARL3 (ARF like GTPase 3; minus strand). Cytogenetic location: 10q24.32.
Variant type: single nucleotide variant.
Coding change: c.211C>T on transcript NM_004311.4 (MANE Select); coding-DNA position 211, C replaced by T.
Protein change: p.Gln71Ter; replaces glutamine 71 with a stop codon.
Molecular consequence: nonsense.
Genome position (GRCh38, 1-based): chr10:102,699,426, G>A on the plus strand (C>T on the coding strand, the complement: ARL3 is on the minus strand). VCF-style: chr10-102699426-G-A. GRCh37 (hg19) VCF-style: chr10-104459183-G-A.
Other names: short protein forms Q71*.
Identifiers: ClinVar variation 1354792 (VCV001354792.6), dbSNP rs2136005297, ClinGen allele CA377922761.